The following is an entry in ClinVar:

ClinVar aggregate classification (germline): Benign/Likely benign. Review status: criteria provided, multiple submitters, no conflicts (2 of 4 stars). 4 submissions from 4 submitters: Benign (1); Likely benign (3). Last evaluated 2026-06-03.

Conditions:
Hereditary cancer-predisposing syndrome. Also called: Neoplastic Syndromes, Hereditary; Hereditary Cancer Syndrome; Tumor predisposition; Hereditary neoplastic syndrome. Identifiers: Orphanet 140162, MedGen C0027672, MeSH D009386, MONDO:0015356.
Gastrointestinal stromal tumor. Also called: Gastrointestinal stromal tumor, somatic; Gastrointestinal stroma tumor. Identifiers: Orphanet 44890, MedGen C0238198, MeSH D046152, MONDO:0011719, OMIM 606764, HP:0100723.

Allele frequency attached by ClinVar (database versions not stated): gnomAD 0.00001; gnomAD exomes 0.00002 and 0.00005; TOPMed 0.00002; ExAC 0.00003.
gnomAD v4.1: 16 of 1,614,060 alleles (0.00099%); highest among the groups gnomAD compares: Admixed American, 0.027%; no homozygotes.

Submissions (4):

Myriad Genetics, Inc.
Classification: Benign for Gastrointestinal stromal tumor. Last evaluated: 2026-06-03. Review status: criteria provided, single submitter. Criteria: Myriad Autosomal Dominant, Autosomal Recessive and X-Linked Classification Criteria (2023). Collection method: clinical testing. Allele origin: unknown.
Comment: This variant is considered benign. This variant is a silent/synonymous amino acid change and it is not expected to impact splicing.

CeGaT Center for Human Genetics Tuebingen
Classification: Likely benign. Last evaluated: 2026-04-01. Review status: criteria provided, single submitter. Criteria: CeGaT Center For Human Genetics Tuebingen Variant Classification Criteria Version 2. Collection method: clinical testing. Allele origin: germline. Affected: yes. Observed: 1 variant allele.
Comment: KIT: BP4, BP7

Labcorp Genetics (formerly Invitae), Labcorp
Classification: Likely benign for Gastrointestinal stromal tumor. Last evaluated: 2024-12-08. Review status: criteria provided, single submitter. Criteria: Invitae Variant Classification Sherloc (09022015). Collection method: clinical testing. Allele origin: germline.

Ambry Genetics
Classification: Likely benign for Hereditary cancer-predisposing syndrome. Last evaluated: 2022-04-21. Review status: criteria provided, single submitter. Criteria: Ambry Variant Classification Scheme 2023. Collection method: clinical testing. Allele origin: germline.

NM_000222.3(KIT):c.1359T>G (p.Ser453=)

Gene: KIT (KIT proto-oncogene, receptor tyrosine kinase; plus strand). Cytogenetic location: 4q12.
Variant type: single nucleotide variant.
Coding change: c.1359T>G on transcript NM_000222.3 (MANE Select); coding-DNA position 1359, T replaced by G.
Protein change: p.Ser453=; no amino-acid change (serine 453 retained).
Molecular consequence: synonymous variant.
Genome position (GRCh38, 1-based): chr4:54,725,869, T>G. VCF-style: chr4-54725869-T-G. GRCh37 (hg19) VCF-style: chr4-55592035-T-G.
Other names: c.1359T>G, p.Ser453= (NM_001093772.2, NM_001385285.1, NM_001385286.1); c.1362T>G, p.Ser454= (NM_001385284.1, NM_001385288.1, NM_001385290.1 and 1 more transcripts).
Identifiers: ClinVar variation 528674 (VCV000528674.15), dbSNP rs769828541, ClinGen allele CA2923477.
Genomic context (GRCh38, chr4:54,725,869, plus strand): 5'-TATTTATTTTCCTAGAGTAAGCCAGGGCTTTTGTTTTCTTCCCTTTAGATGCTCTGCTTC[T>G]GTACTGCCAGTGGATGTGCAGACACTAAACTCATCTGGGCCACCGTTTGGAAAGCTAGTG-3'
Protein context (NP_000213.1, residues 443-463): CPGTEQRCSA[Ser453=]VLPVDVQTLN